The following is an entry in ClinVar:

ClinVar aggregate classification (germline): Pathogenic/Likely pathogenic. Review status: criteria provided, multiple submitters, no conflicts (2 of 4 stars). 2 submissions from 2 submitters: Pathogenic (1); Likely pathogenic (1). Last evaluated 2023-11-11.

Conditions:
Citrullinemia. Identifiers: Orphanet 187, MedGen C0175683, MONDO:0015991.
Citrullinemia type I (CTNL1). Also called: argininosuccinate synthetase deficiency; ASS DEFICIENCY. Identifiers: Orphanet 247525, MedGen C4721769, MONDO:0008988, OMIM 215700.

Submissions (2):

Baylor Genetics
Classification: Likely pathogenic for Citrullinemia type I. Last evaluated: 2023-11-11. Review status: criteria provided, single submitter. Criteria: ACMG Guidelines, 2015. Collection method: clinical testing. Allele origin: unknown.

Labcorp Genetics (formerly Invitae), Labcorp
Classification: Pathogenic for Citrullinemia. Last evaluated: 2023-04-30. Review status: criteria provided, single submitter. Criteria: Invitae Variant Classification Sherloc (09022015). Collection method: clinical testing. Allele origin: germline.
Comment: This variant is not present in population databases (gnomAD no frequency). This sequence change creates a premature translational stop signal (p.Gln211*) in the ASS1 gene. It is expected to result in an absent or disrupted protein product. Loss-of-function variants in ASS1 are known to be pathogenic (PMID: 18473344, 19006241). This variant has not been reported in the literature in individuals affected with ASS1-related conditions. For these reasons, this variant has been classified as Pathogenic.

Literature cited by the submitters: PubMed 18473344 (cited by Labcorp Genetics (formerly Invitae), Labcorp); PubMed 19006241 (cited by Labcorp Genetics (formerly Invitae), Labcorp).

NM_054012.4(ASS1):c.631C>T (p.Gln211Ter)

Gene: ASS1 (argininosuccinate synthase 1; plus strand). Cytogenetic location: 9q34.11.
Variant type: single nucleotide variant.
Coding change: c.631C>T on transcript NM_054012.4 (MANE Select); coding-DNA position 631, C replaced by T.
Protein change: p.Gln211Ter; replaces glutamine 211 with a stop codon.
Molecular consequence: nonsense.
Genome position (GRCh38, 1-based): chr9:130,476,904, C>T. VCF-style: chr9-130476904-C-T. GRCh37 (hg19) VCF-style: chr9-133352291-C-T.
Other names: c.631C>T, p.Gln211Ter (NM_000050.4); short protein forms Q211*.
Identifiers: ClinVar variation 2860934 (VCV002860934.4), dbSNP rs2490581988, ClinGen allele CA375228398.
Genomic context (GRCh38, chr9:130,476,904, plus strand): 5'-TGCCCACCACTTTCTGTCTTTTTTCAGAACCAAGCGCCTCCAGGTCTCTACACGAAGACC[C>T]AGGACCCAGCCAAAGCCCCCAACACCCCTGACATTCTCGAGATCGAGTTCAAAAAAGGTA-3'